The following is an entry in ClinVar:

ClinVar aggregate classification (germline): Uncertain significance (1 of 4 stars; one submission).

gnomAD v4.1: 2 of 1,603,016 alleles (0.00012%); highest among the groups gnomAD compares: Admixed American, 0.0033%; no homozygotes.

Submission:

Labcorp Genetics (formerly Invitae), Labcorp
Classification: Uncertain significance. Last evaluated: 2026-01-17. Review status: criteria provided, single submitter. Criteria: Invitae Variant Classification Sherloc (09022015). Collection method: clinical testing. Allele origin: germline.
Comment: This sequence change replaces tyrosine, which is neutral and polar, with histidine, which is basic and polar, at codon 192 of the GHR protein (p.Tyr192His). This variant is present in population databases (no rsID available, gnomAD 0.006%). This variant has not been reported in the literature in individuals affected with GHR-related conditions. Invitae Evidence Modeling of protein sequence and biophysical properties (such as structural, functional, and spatial information, amino acid conservation, physicochemical variation, residue mobility, and thermodynamic stability) has been performed for this missense variant. However, the output from this modeling did not meet the statistical confidence thresholds required to predict the impact of this variant on GHR protein function. In summary, the available evidence is currently insufficient to determine the role of this variant in disease. Therefore, it has been classified as a Variant of Uncertain Significance.

NM_000163.5(GHR):c.574T>C (p.Tyr192His)

Gene: GHR (growth hormone receptor; plus strand). Cytogenetic location: 5p12.
Variant type: single nucleotide variant.
Coding change: c.574T>C on transcript NM_000163.5 (MANE Select); coding-DNA position 574, T replaced by C.
Protein change: p.Tyr192His; replaces tyrosine 192 with histidine.
Molecular consequence: missense variant.
Genome position (GRCh38, 1-based): chr5:42,699,958, T>C. VCF-style: chr5-42699958-T-C. GRCh37 (hg19) VCF-style: chr5-42700060-T-C.
Other names: c.595T>C, p.Tyr199His (NM_001242399.2); c.574T>C, p.Tyr192His (NM_001242400.2, NM_001242401.4, NM_001242402.2 and 5 more transcripts); c.508T>C, p.Tyr170His (NM_001242460.2); short protein forms Y170H, Y192H, Y199H.
Identifiers: ClinVar variation 4699862 (VCV004699862.1).